The following is an entry in ClinVar:

NM_001429.4(EP300):c.6917A>G (p.Gln2306Arg)

Gene: EP300 (EP300 lysine acetyltransferase; plus strand). Cytogenetic location: 22q13.2.
Variant type: single nucleotide variant.
Coding change: c.6917A>G on transcript NM_001429.4 (MANE Select); coding-DNA position 6917, A replaced by G.
Protein change: p.Gln2306Arg; replaces glutamine 2306 with arginine.
Molecular consequence: missense variant.
Genome position (GRCh38, 1-based): chr22:41,178,628, A>G. VCF-style: chr22-41178628-A-G. GRCh37 (hg19) VCF-style: chr22-41574632-A-G.
Other names: c.6839A>G, p.Gln2280Arg (NM_001362843.2); short protein forms Q2280R, Q2306R.
Identifiers: ClinVar variation 1198163 (VCV001198163.10), dbSNP rs140300789, ClinGen allele CA10253977.

ClinVar aggregate classification (germline): Benign/Likely benign. Review status: criteria provided, multiple submitters, no conflicts (2 of 4 stars). 4 submissions from 4 submitters: Benign (1); Likely benign (2). 1 of the submissions does not count toward it. Last evaluated 2026-01-28.

Conditions:
Inborn genetic diseases. Identifiers: MedGen C0950123, MeSH D030342.
EP300-related disorder. Also called: EP300-related disorders; EP300-related condition.
Rubinstein-Taybi syndrome due to EP300 haploinsufficiency. Also called: RUBINSTEIN-TAYBI SYNDROME 2; EP300-Related Rubinstein-Taybi Syndrome. Identifiers: Orphanet 353284, Orphanet 783, MedGen C3150941, MONDO:0013364, OMIM 613684.

Allele frequency attached by ClinVar (database versions not stated): ExAC 0.00009; gnomAD exomes 0.00012 and 0.00023; gnomAD 0.00015 and 0.00016; TOPMed 0.00015; ESP Exome Variant Server 0.00046.
gnomAD v4.1: 362 of 1,613,686 alleles (0.022%); highest among the groups gnomAD compares: Non-Finnish European, 0.029%; no homozygotes.

Submissions (4):

Labcorp Genetics (formerly Invitae), Labcorp
Classification: Benign for Rubinstein-Taybi syndrome due to EP300 haploinsufficiency. Last evaluated: 2026-01-28. Review status: criteria provided, single submitter. Criteria: Invitae Variant Classification Sherloc (09022015). Collection method: clinical testing. Allele origin: germline.

Ambry Genetics
Classification: Likely benign for Inborn genetic diseases. Last evaluated: 2024-03-05. Review status: criteria provided, single submitter. Criteria: Ambry Variant Classification Scheme 2023. Collection method: clinical testing. Allele origin: germline.

GeneDx
Classification: Likely benign. Last evaluated: 2019-04-19. Review status: criteria provided, single submitter. Criteria: GeneDx Variant Classification Process June 2021. Collection method: clinical testing. Allele origin: germline. Affected: yes.

PreventionGenetics, part of Exact Sciences
Classification: Likely benign for EP300-related condition. Last evaluated: 2021-11-09. Review status: no assertion criteria provided. Collection method: clinical testing. Allele origin: germline. Not counted in ClinVar's aggregate classification.
Comment: This variant is classified as likely benign based on ACMG/AMP sequence variant interpretation guidelines (Richards et al. 2015 PMID: 25741868, with internal and published modifications).